The following is an entry in ClinVar:

NM_006767.4(LZTR1):c.611C>T (p.Thr204Ile)

Gene: LZTR1 (leucine zipper like post translational regulator 1; plus strand). Cytogenetic location: 22q11.21.
Variant type: single nucleotide variant.
Coding change: c.611C>T on transcript NM_006767.4 (MANE Select); coding-DNA position 611, C replaced by T.
Protein change: p.Thr204Ile; replaces threonine 204 with isoleucine.
Molecular consequence: missense variant.
Genome position (GRCh38, 1-based): chr22:20,989,642, C>T. VCF-style: chr22-20989642-C-T. GRCh37 (hg19) VCF-style: chr22-21343931-C-T.
Other names: short protein forms T204I.
Identifiers: ClinVar variation 1751717 (VCV001751717.6), dbSNP rs2518614883, ClinGen allele CA410780312.

ClinVar aggregate classification (germline): Uncertain significance. Review status: criteria provided, multiple submitters, no conflicts (2 of 4 stars). 3 submissions from 3 submitters: Uncertain significance (3). Last evaluated 2025-08-06.

Conditions:
Cardiovascular phenotype. Identifiers: MedGen CN230736.
Hereditary cancer-predisposing syndrome. Also called: Hereditary Cancer Syndrome; Hereditary neoplastic syndrome; Neoplastic Syndromes, Hereditary; Tumor predisposition. Identifiers: Orphanet 140162, MedGen C0027672, MeSH D009386, MONDO:0015356.

Allele frequency attached by ClinVar (database versions not stated): gnomAD exomes below 0.00001.
gnomAD v4.1: 1 of 1,613,582 alleles (0.000062%); highest among the groups gnomAD compares: South Asian, 0.0011%; no homozygotes.

Submissions (3):

Labcorp Genetics (formerly Invitae), Labcorp
Classification: Uncertain significance. Last evaluated: 2025-08-06. Review status: criteria provided, single submitter. Criteria: Invitae Variant Classification Sherloc (09022015). Collection method: clinical testing. Allele origin: germline.
Comment: This sequence change replaces threonine, which is neutral and polar, with isoleucine, which is neutral and non-polar, at codon 204 of the LZTR1 protein (p.Thr204Ile). This variant is not present in population databases (gnomAD no frequency). This variant has not been reported in the literature in individuals affected with LZTR1-related conditions. ClinVar contains an entry for this variant (Variation ID: 1751717). Invitae Evidence Modeling of protein sequence and biophysical properties (such as structural, functional, and spatial information, amino acid conservation, physicochemical variation, residue mobility, and thermodynamic stability) indicates that this missense variant is not expected to disrupt LZTR1 protein function with a negative predictive value of 80%. In summary, the available evidence is currently insufficient to determine the role of this variant in disease. Therefore, it has been classified as a Variant of Uncertain Significance.

Ambry Genetics
Classification: Uncertain significance for Cardiovascular phenotype; Hereditary cancer-predisposing syndrome. Last evaluated: 2025-05-09. Review status: criteria provided, single submitter. Criteria: Ambry Variant Classification Scheme 2023. Collection method: clinical testing. Allele origin: germline.
Comment: The p.T204I variant (also known as c.611C>T), located in coding exon 7 of the LZTR1 gene, results from a C to T substitution at nucleotide position 611. The threonine at codon 204 is replaced by isoleucine, an amino acid with similar properties. This amino acid position is highly conserved in available vertebrate species. In addition, the in silico prediction for this alteration is inconclusive. Based on the available evidence, the clinical significance of this variant remains unclear.

Blueprint Genetics
Classification: Uncertain significance. Last evaluated: 2024-04-16. Review status: criteria provided, single submitter. Criteria: ACMG Guidelines, 2015. Collection method: clinical testing. Allele origin: germline.